The following is an entry in ClinVar:

ClinVar aggregate classification (germline): Uncertain significance (1 of 4 stars; one submission).

Conditions:
Polycystic kidney disease, adult type (PKD1). Also called: Polycystic Kidney, Autosomal Dominant; Polycystic Kidney Disease 1, Autosomal Dominant; Polycystic kidney disease 1; Polycystic kidney disease 1, severe; POLYCYSTIC KIDNEY DISEASE 1 WITH OR WITHOUT POLYCYSTIC LIVER DISEASE; POLYCYSTIC KIDNEY DISEASE, ADULT, TYPE I. Identifiers: MedGen C3149841, MONDO:0008263, OMIM 173900.

Submission:

MGZ Medical Genetics Center
Classification: Uncertain significance for Polycystic kidney disease, adult type. Last evaluated: 2022-07-04. Review status: criteria provided, single submitter. Criteria: ACMG Guidelines, 2015. Collection method: clinical testing. Allele origin: germline. Affected: yes. Observed: 1 variant allele.
Comment: ACMG criteria applied: PM2_SUP, PP3, PP4

NM_001009944.3(PKD1):c.407T>A (p.Leu136Gln)

Gene: PKD1 (polycystin 1, transient receptor potential channel interacting; minus strand). Cytogenetic location: 16p13.3.
Variant type: single nucleotide variant.
Coding change: c.407T>A on transcript NM_001009944.3 (MANE Select); coding-DNA position 407, T replaced by A.
Protein change: p.Leu136Gln; replaces leucine 136 with glutamine.
Molecular consequence: missense variant.
Genome position (GRCh38, 1-based): chr16:2,118,798, A>T on the plus strand (T>A on the coding strand, the complement: PKD1 is on the minus strand). VCF-style: chr16-2118798-A-T. GRCh37 (hg19) VCF-style: chr16-2168799-A-T.
Other names: c.407T>A, p.Leu136Gln (NM_000296.4); short protein forms L136Q.
Identifiers: ClinVar variation 1709537 (VCV001709537.2), dbSNP rs2544883206, ClinGen allele CA394395586.